The following is an entry in ClinVar:

ClinVar aggregate classification (germline): Uncertain significance. Review status: criteria provided, multiple submitters, no conflicts (2 of 4 stars). 2 submissions from 2 submitters: Uncertain significance (2). Last evaluated 2024-10-15.

Conditions:
Leukocyte adhesion deficiency 1 (LAD1). Also called: LEUKOCYTE ADHESION DEFICIENCY, TYPE I; LAD 1; Lymphocyte function-associated antigen 1 immunodeficiency; LFA 1 immunodeficiency. Identifiers: Orphanet 2968, Orphanet 99842, MedGen C0398738, MONDO:0007293, OMIM 116920.

Allele frequency attached by ClinVar (database versions not stated): gnomAD exomes 0.00001 and 0.00002; ExAC 0.00003; gnomAD 0.00003 and 0.00004; TOPMed 0.00006; ESP Exome Variant Server 0.00008.
gnomAD v4.1: 16 of 1,607,578 alleles (0.001%); highest among the groups gnomAD compares: African/African-American, 0.016%; no homozygotes.

Submissions (2):

Labcorp Genetics (formerly Invitae), Labcorp
Classification: Uncertain significance for Leukocyte adhesion deficiency 1. Last evaluated: 2024-10-15. Review status: criteria provided, single submitter. Criteria: Invitae Variant Classification Sherloc (09022015). Collection method: clinical testing. Allele origin: germline.
Comment: This sequence change falls in intron 5 of the ITGB2 gene. It does not directly change the encoded amino acid sequence of the ITGB2 protein. It affects a nucleotide within the consensus splice site. This variant is present in population databases (rs376484884, gnomAD 0.03%). This variant has not been reported in the literature in individuals affected with ITGB2-related conditions. ClinVar contains an entry for this variant (Variation ID: 530685). Variants that disrupt the consensus splice site are a relatively common cause of aberrant splicing (PMID: 17576681, 9536098). Algorithms developed to predict the effect of sequence changes on RNA splicing suggest that this variant is not likely to affect RNA splicing. In summary, the available evidence is currently insufficient to determine the role of this variant in disease. Therefore, it has been classified as a Variant of Uncertain Significance.

Breakthrough Genomics
Classification: Uncertain significance. Review status: criteria provided, single submitter. Criteria: ACMG Guidelines, 2015. Collection method: not provided. Allele origin: germline. Inheritance: Autosomal dominant inheritance. Affected: yes.

Literature cited by the submitters: PubMed 17576681 (cited by Labcorp Genetics (formerly Invitae), Labcorp); PubMed 9536098 (cited by Labcorp Genetics (formerly Invitae), Labcorp).

NM_000211.5(ITGB2):c.500-3C>T

Gene: ITGB2 (integrin subunit beta 2; minus strand). Cytogenetic location: 21q22.3.
Variant type: single nucleotide variant.
Coding change: c.500-3C>T on transcript NM_000211.5 (MANE Select); 3 bases into the intron before coding-DNA position 500, C replaced by T.
Molecular consequence: intron variant.
Genome position (GRCh38, 1-based): chr21:44,901,736, G>A on the plus strand (C>T on the coding strand, the complement: ITGB2 is on the minus strand). VCF-style: chr21-44901736-G-A. GRCh37 (hg19) VCF-style: chr21-46321651-G-A.
Other names: c.500-3C>T (NM_001127491.3); c.293-3C>T (NM_001303238.2).
Identifiers: ClinVar variation 530685 (VCV000530685.8), dbSNP rs376484884, ClinGen allele CA10063176.